The following is an entry in ClinVar:

NM_020166.5(MCCC1):c.1595-180A>G

Gene: MCCC1 (methylcrotonyl-CoA carboxylase subunit 1; minus strand). Cytogenetic location: 3q27.1.
Variant type: single nucleotide variant.
Coding change: c.1595-180A>G on transcript NM_020166.5 (MANE Select); 180 bases into the intron before coding-DNA position 1595, A replaced by G.
Molecular consequence: intron variant.
Genome position (GRCh38, 1-based): chr3:183,034,257, T>C on the plus strand (A>G on the coding strand, the complement: MCCC1 is on the minus strand). VCF-style: chr3-183034257-T-C. GRCh37 (hg19) VCF-style: chr3-182752045-T-C.
Other names: c.1268-180A>G (NM_001363880.1); c.1244-180A>G (NM_001293273.2).
Identifiers: ClinVar variation 1706963 (VCV001706963.2), dbSNP rs193164116, ClinGen allele CA88698613.
Genomic context (GRCh38, chr3:183,034,257, plus strand): 5'-TCCCAGCACTTTGGGAGGCCAAGGCGGGCGGATCATGAGGTCAGGAGATCGAGACCATCC[T>C]AGCTAACACGGTGAAACCCCGTCTCTACTAAAAATACAAAAAAATTAGCTGGGCATGGTG-3'

ClinVar aggregate classification (germline): Likely benign (1 of 4 stars; one submission).

Allele frequency attached by ClinVar (database versions not stated): gnomAD 0.00778; TOPMed 0.00846; 1000 Genomes Project 0.00879; 1000 Genomes Project 30x 0.00953.
gnomAD v4.1: 1,171 of 152,212 alleles (0.77%); highest among the groups gnomAD compares: African/African-American, 2.7%; 19 homozygotes.

Submission:

GeneDx
Classification: Likely benign. Last evaluated: 2021-08-30. Review status: criteria provided, single submitter. Criteria: GeneDx Variant Classification Process June 2021. Collection method: clinical testing. Allele origin: germline. Affected: yes.
Comment: See Variant Classification Assertion Criteria.